The following is an entry in ClinVar:

ClinVar aggregate classification (germline): Likely benign. Review status: criteria provided, multiple submitters, no conflicts (2 of 4 stars). 2 submissions from 2 submitters: Likely benign (2). Last evaluated 2024-10-10.

Conditions:
RP1L1-related disorder. Also called: RP1L1-related condition.

gnomAD v4.1: 70 of 1,613,676 alleles (0.0043%); highest among the groups gnomAD compares: Admixed American, 0.073%; 1 homozygote.

Submissions (2):

PreventionGenetics, part of Exact Sciences
Classification: Likely benign for RP1L1-related condition. Last evaluated: 2024-10-10. Review status: criteria provided, single submitter. Criteria: ACMG Guidelines, 2015. Collection method: clinical testing. Allele origin: germline.
Comment: This variant is classified as likely benign based on ACMG/AMP sequence variant interpretation guidelines (Richards et al. 2015 PMID: 25741868, with internal and published modifications).

Blueprint Genetics
Classification: Likely benign. Last evaluated: 2023-02-06. Review status: criteria provided, single submitter. Criteria: ACMG Guidelines, 2015. Collection method: clinical testing. Allele origin: germline.

NM_178857.6(RP1L1):c.1014A>G (p.Leu338=)

Gene: RP1L1 (RP1 like 1). Cytogenetic location: 8p23.1.
Variant type: single nucleotide variant.
Coding change: c.1014A>G on transcript NM_178857.6 (MANE Select); coding-DNA position 1014, A replaced by G.
Protein change: p.Leu338=; no amino-acid change (leucine 338 retained).
Molecular consequence: synonymous variant.
Genome position (GRCh38, 1-based): chr8:10,613,084, T>C on the plus strand (A>G on the coding strand, the complement: RP1L1 is on the minus strand). VCF-style: chr8-10613084-T-C. GRCh37 (hg19) VCF-style: chr8-10470594-T-C.
Other names: c.1014A>G (NM_178857.5).
Identifiers: ClinVar variation 4899404 (VCV004899404.2).
Genomic context (GRCh38, chr8:10,613,084, plus strand): 5'-AACGGGGTCTTCCCCACTGGCTGCCGTGAGGGCGCTGGCCCTGCCCATCCTCCGGGACCA[T>C]AGGAGCGTGTCCTCGCCGACCAGGTGGAAGCGGACTTTCATCTCCACGGACAGGCTGCCG-3'
Protein context (NP_849188.4, residues 328-348): RFHLVGEDTL[Leu338=]WSRRMGRASA